The following is an entry in ClinVar:

ClinVar aggregate classification (germline): Uncertain significance (1 of 4 stars; one submission).

Conditions:
Mitochondrial complex I deficiency, nuclear type 2. Also called: Mitochondrial complex 1 deficiency, nuclear type 2. Identifiers: MedGen C4748737, MONDO:0032606, OMIM 618222.

gnomAD v4.1: 6 of 1,613,736 alleles (0.00037%); highest among the groups gnomAD compares: Non-Finnish European, 0.00042%; no homozygotes.

Submission:

MGZ Medical Genetics Center
Classification: Uncertain significance for Mitochondrial complex I deficiency, nuclear type 2. Last evaluated: 2022-06-08. Review status: criteria provided, single submitter. Criteria: ACMG Guidelines, 2015. Collection method: clinical testing. Allele origin: germline. Affected: yes. Observed: 1 variant allele.
Comment: ACMG criteria applied: PM1_SUP, PM2_SUP, PP3

NM_002496.4(NDUFS8):c.499G>A (p.Glu167Lys)

Gene: NDUFS8 (NADH:ubiquinone oxidoreductase core subunit S8; plus strand). Cytogenetic location: 11q13.2.
Variant type: single nucleotide variant.
Coding change: c.499G>A on transcript NM_002496.4 (MANE Select); coding-DNA position 499, G replaced by A.
Protein change: p.Glu167Lys; replaces glutamic acid 167 with lysine.
Molecular consequence: missense variant.
Genome position (GRCh38, 1-based): chr11:68,036,379, G>A. VCF-style: chr11-68036379-G-A. GRCh37 (hg19) VCF-style: chr11-67803846-G-A.
Other names: short protein forms E167K.
Identifiers: ClinVar variation 1709288 (VCV001709288.2), dbSNP rs1361942354, ClinGen allele CA381569465.
Genomic context (GRCh38, chr11:68,036,379, plus strand): 5'-ATGACCAAGTGCATCTACTGCGGCTTCTGCCAGGAGGCCTGTCCCGTGGATGCCATCGTC[G>A]AGGCACGTGAGGCCCCCGGGTGGGAGGGGGCCTGAGGCTCCTCAGCAGGGCCTAACCACC-3'
Protein context (NP_002487.1, residues 157-177): QEACPVDAIV[Glu167Lys]GPNFEFSTET